The following is an entry in ClinVar:

NM_000191.3(HMGCL):c.470C>T (p.Ala157Val)

Gene: HMGCL (3-hydroxy-3-methylglutaryl-CoA lyase; minus strand). Cytogenetic location: 1p36.11.
Variant type: single nucleotide variant.
Coding change: c.470C>T on transcript NM_000191.3 (MANE Select); coding-DNA position 470, C replaced by T.
Protein change: p.Ala157Val; replaces alanine 157 with valine.
Molecular consequence: missense variant. On other transcripts: intron variant (1).
Genome position (GRCh38, 1-based): chr1:23,814,217, G>A on the plus strand (C>T on the coding strand, the complement: HMGCL is on the minus strand). VCF-style: chr1-23814217-G-A. GRCh37 (hg19) VCF-style: chr1-24140707-G-A.
Other names: c.348+2458C>T (NM_001166059.2); short protein forms A157V.
Identifiers: ClinVar variation 652537 (VCV000652537.7), dbSNP rs147752765, ClinGen allele CA686097.

ClinVar aggregate classification (germline): Uncertain significance. Review status: criteria provided, single submitter (1 of 4 stars). 2 submissions from 2 submitters: Uncertain significance (1). 1 of the submissions does not count toward it. Last evaluated 2022-01-20.

Conditions:
Long chain 3-hydroxyacyl-CoA dehydrogenase deficiency. Also called: LCHAD Deficiency; Deficiency of long-chain 3-hydroxyacyl-coenzyme A dehydrogenase. Identifiers: Orphanet 5, MedGen C3711645, MONDO:0012173, OMIM 609016.
Deficiency of hydroxymethylglutaryl-CoA lyase (HMGCLD). Also called: Defect in leucine metabolism; 3-hydroxy-3-methylglutaric aciduria; HMG-CoA LYASE DEFICIENCY; HMGCL DEFICIENCY; HYDROXYMETHYLGLUTARIC ACIDURIA. Identifiers: Orphanet 20, MedGen C1533587, MONDO:0009520, OMIM 246450.

Allele frequency attached by ClinVar (database versions not stated): ExAC 0.00001; gnomAD exomes 0.00002; gnomAD 0.00005; TOPMed 0.00005; ESP Exome Variant Server 0.00008.
gnomAD v4.1: 15 of 1,613,798 alleles (0.00093%); highest among the groups gnomAD compares: African/African-American, 0.013%; no homozygotes.

Submissions (2):

Labcorp Genetics (formerly Invitae), Labcorp
Classification: Uncertain significance for Deficiency of hydroxymethylglutaryl-CoA lyase. Last evaluated: 2022-01-20. Review status: criteria provided, single submitter. Criteria: Invitae Variant Classification Sherloc (09022015). Collection method: clinical testing. Allele origin: germline.
Comment: This sequence change replaces alanine, which is neutral and non-polar, with valine, which is neutral and non-polar, at codon 157 of the HMGCL protein (p.Ala157Val). This variant is present in population databases (rs147752765, gnomAD 0.008%). This variant has not been reported in the literature in individuals affected with HMGCL-related conditions. ClinVar contains an entry for this variant (Variation ID: 652537). Algorithms developed to predict the effect of missense changes on protein structure and function (SIFT, PolyPhen-2, Align-GVGD) all suggest that this variant is likely to be disruptive. In summary, the available evidence is currently insufficient to determine the role of this variant in disease. Therefore, it has been classified as a Variant of Uncertain Significance.

Natera, Inc.
Classification: Uncertain significance for Deficiency of long-chain 3-hydroxyacyl-coenzyme A dehydrogenase. Last evaluated: 2020-03-17. Review status: no assertion criteria provided. Collection method: clinical testing. Allele origin: germline. Not counted in ClinVar's aggregate classification.